The following is an entry in ClinVar:

NM_001190274.2(FBXO11):c.2654+4T>G

Genes: FBXO11 (F-box protein 11; minus strand), MSH6 (mutS homolog 6; plus strand). Cytogenetic location: 2p16.3.
Variant type: single nucleotide variant.
Coding change: c.2654+4T>G on transcript NM_001190274.2 (MANE Select); 4 bases into the intron after coding-DNA position 2654, T replaced by G.
Molecular consequence: intron variant.
Genome position (GRCh38, 1-based): chr2:47,808,325, A>C on the plus strand (T>G on the coding strand, the complement: FBXO11 is on the minus strand). VCF-style: chr2-47808325-A-C. GRCh37 (hg19) VCF-style: chr2-48035464-A-C.
Other names: c.*43+1422A>C (NM_001406809.1); c.*40+1425A>C (NM_001406796.1, NM_001406811.1, NM_001406805.1 and 2 more transcripts); c.2402+4T>G (NM_001374325.1, NM_025133.4).
Identifiers: ClinVar variation 4723824 (VCV004723824.1).

ClinVar aggregate classification (germline): Uncertain significance (1 of 4 stars; one submission).

Submission:

Labcorp Genetics (formerly Invitae), Labcorp
Classification: Uncertain significance. Last evaluated: 2025-07-23. Review status: criteria provided, single submitter. Criteria: Invitae Variant Classification Sherloc (09022015). Collection method: clinical testing. Allele origin: germline.
Comment: This sequence change falls in intron 22 of the FBXO11 gene. It does not directly change the encoded amino acid sequence of the FBXO11 protein. It affects a nucleotide within the consensus splice site. This variant is not present in population databases (gnomAD no frequency). This variant has not been reported in the literature in individuals affected with FBXO11-related conditions. Variants that disrupt the consensus splice site are a relatively common cause of aberrant splicing (PMID: 17576681, 9536098). Algorithms developed to predict the effect of sequence changes on RNA splicing suggest that this variant is not likely to affect RNA splicing. In summary, the available evidence is currently insufficient to determine the role of this variant in disease. Therefore, it has been classified as a Variant of Uncertain Significance.

Literature cited by the submitters: PubMed 17576681; PubMed 9536098.